The following is an entry in ClinVar:

NM_000642.3(AGL):c.2707G>A (p.Glu903Lys)

Gene: AGL (amylo-alpha-1,6-glucosidase and 4-alpha-glucanotransferase; plus strand). Cytogenetic location: 1p21.2.
Variant type: single nucleotide variant.
Coding change: c.2707G>A on transcript NM_000642.3 (MANE Select); coding-DNA position 2707, G replaced by A.
Protein change: p.Glu903Lys; replaces glutamic acid 903 with lysine.
Molecular consequence: missense variant.
Genome position (GRCh38, 1-based): chr1:99,888,003, G>A. VCF-style: chr1-99888003-G-A. GRCh37 (hg19) VCF-style: chr1-100353559-G-A.
Other names: c.2707G>A, p.Glu903Lys (NM_000028.3, NM_000643.3, NM_000644.3 and 2 more transcripts); c.2659G>A, p.Glu887Lys (NM_000646.3); c.2506G>A, p.Glu836Lys (NM_001425327.1); c.2503G>A, p.Glu835Lys (NM_001425328.1); c.2368G>A, p.Glu790Lys (NM_001425329.1); c.2329G>A, p.Glu777Lys (NM_001425332.1); short protein forms E887K, E903K, E777K, E790K, E835K, E836K.
Identifiers: ClinVar variation 1053900 (VCV001053900.11), dbSNP rs2100778885, ClinGen allele CA341322849.

ClinVar aggregate classification (germline): Uncertain significance. Review status: criteria provided, multiple submitters, no conflicts (2 of 4 stars). 3 submissions from 3 submitters: Uncertain significance (2). 1 of the submissions does not count toward it. Last evaluated 2024-09-18.

Conditions:
Glycogen storage disease type III (GSD3). Also called: Cori disease; FORBES DISEASE. Identifiers: Orphanet 366, MedGen C0017922, MONDO:0009291, OMIM 232400.

Allele frequency attached by ClinVar (database versions not stated): gnomAD exomes below 0.00001.
gnomAD v4.1: 4 of 1,613,438 alleles (0.00025%); highest among the groups gnomAD compares: Non-Finnish European, 0.00017%; no homozygotes.

Submissions (3):

Blueprint Genetics
Classification: Uncertain significance. Last evaluated: 2024-09-18. Review status: criteria provided, single submitter. Criteria: ACMG Guidelines, 2015. Collection method: clinical testing. Allele origin: germline.

Labcorp Genetics (formerly Invitae), Labcorp
Classification: Uncertain significance for Glycogen storage disease type III. Last evaluated: 2022-02-19. Review status: criteria provided, single submitter. Criteria: Invitae Variant Classification Sherloc (09022015). Collection method: clinical testing. Allele origin: germline.
Comment: This sequence change replaces glutamic acid, which is acidic and polar, with lysine, which is basic and polar, at codon 903 of the AGL protein (p.Glu903Lys). This variant is not present in population databases (gnomAD no frequency). This variant has not been reported in the literature in individuals affected with AGL-related conditions. ClinVar contains an entry for this variant (Variation ID: 1053900). Algorithms developed to predict the effect of missense changes on protein structure and function (SIFT, PolyPhen-2, Align-GVGD) all suggest that this variant is likely to be tolerated. In summary, the available evidence is currently insufficient to determine the role of this variant in disease. Therefore, it has been classified as a Variant of Uncertain Significance.

Natera, Inc.
Classification: Uncertain significance for Glycogen storage disease type III. Last evaluated: 2020-03-20. Review status: no assertion criteria provided. Collection method: clinical testing. Allele origin: germline. Not counted in ClinVar's aggregate classification.